The following is an entry in ClinVar:

ClinVar aggregate classification (germline): Benign/Likely benign. Review status: criteria provided, multiple submitters, no conflicts (2 of 4 stars). 7 submissions from 7 submitters: Benign (6); Likely benign (1). Last evaluated 2026-05-11.

Conditions:
Achondrogenesis, type IA (ACG1A). Identifiers: Orphanet 932, Orphanet 93299, MedGen C0265273, MONDO:0008701, OMIM 200600.
Connective tissue disorder. Also called: Connective tissue disease. Identifiers: MedGen C0009782, MONDO:0003900.

Allele frequency attached by ClinVar (database versions not stated): gnomAD 0.01054 and 0.01111; ESP Exome Variant Server 0.01077; TOPMed 0.01157; 1000 Genomes Project 0.01438; 1000 Genomes Project 30x 0.01530; ExAC 0.00330.
gnomAD v4.1: 3,373 of 1,613,892 alleles (0.21%); highest among the groups gnomAD compares: African/African-American, 3.8%; 38 homozygotes.

Submissions (7):

Women's Health and Genetics/Laboratory Corporation of America, LabCorp
Classification: Likely benign. Last evaluated: 2026-05-11. Review status: criteria provided, single submitter. Criteria: LabCorp Variant Classification Summary - May 2015. Collection method: clinical testing. Allele origin: germline.

Labcorp Genetics (formerly Invitae), Labcorp
Classification: Benign for Achondrogenesis, type IA. Last evaluated: 2026-01-28. Review status: criteria provided, single submitter. Criteria: Invitae Variant Classification Sherloc (09022015). Collection method: clinical testing. Allele origin: germline.

ARUP Laboratories, Molecular Genetics and Genomics, ARUP Laboratories
Classification: Benign. Last evaluated: 2023-11-06. Review status: criteria provided, single submitter. Criteria: ARUP Molecular Germline Variant Investigation Process 2024. Collection method: clinical testing. Allele origin: germline.

Genome Diagnostics Laboratory, The Hospital for Sick Children
Classification: Benign for Connective tissue disorder. Last evaluated: 2021-06-18. Review status: criteria provided, single submitter. Criteria: ACMG Guidelines, 2015. Collection method: clinical testing. Allele origin: germline.

Illumina Laboratory Services, Illumina
Classification: Benign for Achondrogenesis, type IA. Last evaluated: 2018-01-12. Review status: criteria provided, single submitter. Criteria: ICSL Variant Classification Criteria 13 December 2019. Collection method: clinical testing. Allele origin: germline.
Comment: This variant was observed in the ICSL laboratory as part of a predisposition screen in an ostensibly healthy population. It had not been previously curated by ICSL or reported in the Human Gene Mutation Database (HGMD: prior to June 1st, 2018), and was therefore a candidate for classification through an automated scoring system. Utilizing variant allele frequency, disease prevalence and penetrance estimates, and inheritance mode, an automated score was calculated to assess if this variant is too frequent to cause the disease. Based on the score and internal cut-off values, a variant classified as benign is not then subjected to further curation. The score for this variant resulted in a classification of benign for this disease.

GeneDx
Classification: Benign. Last evaluated: 2016-10-31. Review status: criteria provided, single submitter. Criteria: GeneDx Variant Classification (06012015). Collection method: clinical testing. Allele origin: germline. Affected: yes.
Comment: This variant is considered likely benign or benign based on one or more of the following criteria: it is a conservative change, it occurs at a poorly conserved position in the protein, it is predicted to be benign by multiple in silico algorithms, and/or has population frequency not consistent with disease.

Breakthrough Genomics
Classification: Benign. Review status: criteria provided, single submitter. Criteria: ACMG Guidelines, 2015. Collection method: not provided. Allele origin: germline. Inheritance: Autosomal recessive inheritance. Affected: yes.

NM_004239.4(TRIP11):c.3118A>G (p.Ile1040Val)

Gene: TRIP11 (thyroid hormone receptor interactor 11; minus strand). Cytogenetic location: 14q32.12.
Variant type: single nucleotide variant.
Coding change: c.3118A>G on transcript NM_004239.4 (MANE Select); coding-DNA position 3118, A replaced by G.
Protein change: p.Ile1040Val; replaces isoleucine 1040 with valine.
Molecular consequence: missense variant.
Genome position (GRCh38, 1-based): chr14:92,004,858, T>C on the plus strand (A>G on the coding strand, the complement: TRIP11 is on the minus strand). VCF-style: chr14-92004858-T-C. GRCh37 (hg19) VCF-style: chr14-92471202-T-C.
Other names: c.3115A>G, p.Ile1039Val (NM_001321851.1); short protein forms I1040V, I1039V.
Identifiers: ClinVar variation 314950 (VCV000314950.27), dbSNP rs34805848, ClinGen allele CA7313681.
Genomic context (GRCh38, chr14:92,004,858, plus strand): 5'-TCTGAGTTAGTTTACCAACTTCATCTTTGGACAACTGATCAATCTGTTTAGTTAAAGATA[T>C]ATTCTTTTCATTTAGAAGTTTAATCTCCAGTTCTCGCTCTTTTATTCCTTTCACTAATCT-3'
Protein context (NP_004230.2, residues 1030-1050): LEIKLLNEKN[Ile1040Val]SLTKQIDQLS